The following is an entry in ClinVar:

NM_004655.4(AXIN2):c.1694T>A (p.Met565Lys)

Gene: AXIN2 (axin 2; minus strand). Cytogenetic location: 17q24.1.
Variant type: single nucleotide variant.
Coding change: c.1694T>A on transcript NM_004655.4 (MANE Select); coding-DNA position 1694, T replaced by A.
Protein change: p.Met565Lys; replaces methionine 565 with lysine.
Molecular consequence: missense variant.
Genome position (GRCh38, 1-based): chr17:65,537,342, A>T on the plus strand (T>A on the coding strand, the complement: AXIN2 is on the minus strand). VCF-style: chr17-65537342-A-T. GRCh37 (hg19) VCF-style: chr17-63533460-A-T.
Other names: c.1694T>A, p.Met565Lys (NM_001363813.1); c.1694T>A (NM_004655.3); short protein forms M565K.
Identifiers: ClinVar variation 1506391 (VCV001506391.9), dbSNP rs534983760, ClinGen allele CA400676822.

ClinVar aggregate classification (germline): Conflicting classifications of pathogenicity. Review status: criteria provided, conflicting classifications (1 of 4 stars). 2 submissions from 2 submitters: Uncertain significance (1); Likely benign (1). Last evaluated 2025-04-17.

Conditions:
Hereditary cancer-predisposing syndrome. Also called: Hereditary neoplastic syndrome; Tumor predisposition; Neoplastic Syndromes, Hereditary; Hereditary Cancer Syndrome. Identifiers: Orphanet 140162, MedGen C0027672, MeSH D009386, MONDO:0015356.
Oligodontia-cancer predisposition syndrome. Also called: TOOTH AGENESIS-COLORECTAL CANCER SYNDROME. Identifiers: Orphanet 300576, MedGen C1837750, MONDO:0012075, OMIM 608615. Disease mechanism: loss of function.

Submissions (2):

Ambry Genetics
Classification: Likely benign for Hereditary cancer-predisposing syndrome. Last evaluated: 2025-04-17. Review status: criteria provided, single submitter. Criteria: Ambry Variant Classification Scheme 2023. Collection method: clinical testing. Allele origin: germline.

Labcorp Genetics (formerly Invitae), Labcorp
Classification: Uncertain significance for Oligodontia-cancer predisposition syndrome. Last evaluated: 2022-05-10. Review status: criteria provided, single submitter. Criteria: Invitae Variant Classification Sherloc (09022015). Collection method: clinical testing. Allele origin: germline.
Comment: This sequence change replaces methionine, which is neutral and non-polar, with lysine, which is basic and polar, at codon 565 of the AXIN2 protein (p.Met565Lys). This variant is present in population databases (no rsID available, gnomAD 0.01%). This variant has not been reported in the literature in individuals affected with AXIN2-related conditions. Algorithms developed to predict the effect of missense changes on protein structure and function (SIFT, PolyPhen-2, Align-GVGD) all suggest that this variant is likely to be tolerated. In summary, the available evidence is currently insufficient to determine the role of this variant in disease. Therefore, it has been classified as a Variant of Uncertain Significance.